The following is an entry in ClinVar:

NM_000038.6(APC):c.646-18T>C

Gene: APC (APC regulator of Wnt signaling pathway; plus strand). Cytogenetic location: 5q22.2.
Variant type: single nucleotide variant.
Coding change: c.646-18T>C on transcript NM_000038.6 (MANE Select); 18 bases into the intron before coding-DNA position 646, T replaced by C.
Molecular consequence: intron variant.
Genome position (GRCh38, 1-based): chr5:112,792,428, T>C. VCF-style: chr5-112792428-T-C. GRCh37 (hg19) VCF-style: chr5-112128125-T-C.
Other names: c.646-18T>C (NM_001354903.2, NM_001354895.2, NM_001127510.3 and 1 more transcripts); c.646-8851T>C (NM_001354899.2); c.469-18T>C (NM_001354900.2, NM_001354901.2, NM_001354905.2); c.676-18T>C (NM_001354897.2, NM_001354902.2); c.676-8851T>C (NM_001127511.3); c.571-18T>C (NM_001354898.2, NM_001354904.2); c.-390-18T>C (NM_001354906.2).
Identifiers: ClinVar variation 630501 (VCV000630501.12), dbSNP rs1434255816, ClinGen allele CA802052998.

ClinVar aggregate classification (germline): Likely benign. Review status: criteria provided, multiple submitters, no conflicts (2 of 4 stars). 4 submissions from 4 submitters: Likely benign (4). Last evaluated 2025-11-03.

Conditions:
Familial adenomatous polyposis 1 (FAP1). Also called: FAMILIAL ADENOMATOUS POLYPOSIS 1, ATTENUATED; POLYPOSIS, ADENOMATOUS INTESTINAL. Identifiers: MedGen C2713442, MONDO:0021056, OMIM 175100. Disease mechanism: loss of function.
Hereditary cancer-predisposing syndrome. Also called: Tumor predisposition; Neoplastic Syndromes, Hereditary; Hereditary Cancer Syndrome; Hereditary neoplastic syndrome. Identifiers: Orphanet 140162, MedGen C0027672, MeSH D009386, MONDO:0015356.

Allele frequency attached by ClinVar (database versions not stated): gnomAD 0.00001; gnomAD exomes 0.00001; TOPMed 0.00001.
gnomAD v4.1: 10 of 1,567,554 alleles (0.00064%); highest among the groups gnomAD compares: Middle Eastern, 0.1%; no homozygotes.

Submissions (4):

Labcorp Genetics (formerly Invitae), Labcorp
Classification: Likely benign for Familial adenomatous polyposis 1. Last evaluated: 2025-11-03. Review status: criteria provided, single submitter. Criteria: Invitae Variant Classification Sherloc (09022015). Collection method: clinical testing. Allele origin: germline.

Myriad Genetics, Inc.
Classification: Likely benign for Familial adenomatous polyposis 1. Last evaluated: 2024-02-26. Review status: criteria provided, single submitter. Criteria: Myriad Autosomal Dominant, Autosomal Recessive and X-Linked Classification Criteria (2023). Collection method: clinical testing. Allele origin: unknown.
Comment: This variant is considered likely benign. This variant is intronic and is not expected to impact mRNA splicing.

Blueprint Genetics
Classification: Likely benign. Last evaluated: 2023-10-17. Review status: criteria provided, single submitter. Criteria: ACMG Guidelines, 2015. Collection method: clinical testing. Allele origin: germline.

Color Diagnostics, LLC DBA Color Health
Classification: Likely benign for Hereditary cancer-predisposing syndrome. Last evaluated: 2018-06-18. Review status: criteria provided, single submitter. Criteria: ACMG Guidelines, 2015. Collection method: clinical testing. Allele origin: germline.